The following is an entry in ClinVar:

ClinVar aggregate classification (germline): Likely pathogenic (1 of 4 stars; one submission).

Conditions:
Muscular dystrophy, limb-girdle, autosomal recessive 23. Identifiers: Orphanet 565837, MedGen C4748327, MONDO:0029136, OMIM 618138.

Submission:

3billion
Classification: Likely pathogenic for Muscular dystrophy, limb-girdle, autosomal recessive 23. Last evaluated: 2024-10-28. Review status: criteria provided, single submitter. Criteria: ACMG Guidelines, 2015. Collection method: clinical testing. Allele origin: germline. Affected: yes.
Comment: The variant is not observed in the gnomAD v4.1.0 dataset. Predicted Consequence/Location: Frameshift: predicted to result in a loss or disruption of normal protein function through nonsense-mediated decay (NMD) or protein truncation. Multiple pathogenic variants are reported downstream of the variant. Therefore, this variant is classified as Likely pathogenic according to the recommendation of ACMG/AMP guideline.

NM_000426.4(LAMA2):c.217_218dup (p.Pro74fs)

Gene: LAMA2 (laminin subunit alpha 2; plus strand). Cytogenetic location: 6q22.33.
Variant type: Duplication.
Coding change: c.217_218dup on transcript NM_000426.4 (MANE Select); coding-DNA positions 217 to 218, 2 bases duplicated (GT; older notation c.217_218dupGT).
Protein change: p.Pro74fs; shifts the reading frame from proline 74.
Molecular consequence: frameshift variant.
Genome position (GRCh38, 1-based): chr6:129,050,022-129,050,023, GT duplicated; duplicating any 2 consecutive bases within chr6:129,050,021-129,050,023 gives the same sequence; the c. name uses the placement nearest the transcript's 3' end. VCF-style (leftmost placement, unchanged base first): chr6-129050020-A-ATG. GRCh37 (hg19) VCF-style: chr6-129371165-A-ATG.
Other names: c.217_218dup, p.Pro74fs (NM_001079823.2); short protein forms P74fs.
Identifiers: ClinVar variation 4293877 (VCV004293877.1).
Genomic context (GRCh38, chr6:129,050,020, plus strand): 5'-TCACGACCAATGCAACATGTGGAGAAAAAGGACCTGAAATGTACTGCAAATTGGTAGAAC[A>ATG]TGTCCCTGGGCAGCCTGTGAGGAACCCGCAGTGTCGAATCTGCAATCAAAACAGCAGCAA-3'